The following is an entry in ClinVar:

ClinVar aggregate classification (germline): Benign (1 of 4 stars; one submission).

Conditions:
Pheochromocytoma/paraganglioma syndrome 1. Also called: PARAGANGLIOMAS, FAMILIAL NONCHROMAFFIN, 1; PGL 1; Paragangliomas familial 1; PARAGANGLIOMATA; Paragangliomas 1; Glomus tumors familial 1. Identifiers: Orphanet 29072, MedGen C3494181, MONDO:0008192, OMIM 168000.

Submission:

Myriad Genetics, Inc.
Classification: Benign for Pheochromocytoma/paraganglioma syndrome 1. Last evaluated: 2025-03-17. Review status: criteria provided, single submitter. Criteria: Myriad Autosomal Dominant, Autosomal Recessive and X-Linked Classification Criteria (2023). Collection method: clinical testing. Allele origin: unknown.
Comment: This variant is considered benign. This variant is a silent/synonymous amino acid change and it is not expected to impact splicing.

NM_003002.4(SDHD):c.285G>A (p.Leu95=)

Gene: SDHD (succinate dehydrogenase complex subunit D; plus strand). Cytogenetic location: 11q23.1.
Variant type: single nucleotide variant.
Coding change: c.285G>A on transcript NM_003002.4 (MANE Select); coding-DNA position 285, G replaced by A.
Protein change: p.Leu95=; no amino-acid change (leucine 95 retained).
Molecular consequence: synonymous variant. On other transcripts: non-coding transcript variant (1), intron variant (1).
Genome position (GRCh38, 1-based): chr11:112,088,982, G>A. VCF-style: chr11-112088982-G-A. GRCh37 (hg19) VCF-style: chr11-111959706-G-A.
Other names: c.168G>A, p.Leu56= (NM_001276504.2); c.285G>A, p.Leu95= (NM_001276506.2); c.169+1009G>A (NM_001276503.2).
Identifiers: ClinVar variation 3904636 (VCV003904636.1).